The following is an entry in ClinVar:

ClinVar aggregate classification (germline): Conflicting classifications of pathogenicity. Review status: criteria provided, conflicting classifications (1 of 4 stars). 10 submissions from 10 submitters: Uncertain significance (2); Likely benign (6). 2 of the submissions do not count toward it. Last evaluated 2025-11-21.

Conditions:
Hereditary cancer-predisposing syndrome. Also called: Tumor predisposition; Hereditary neoplastic syndrome; Neoplastic Syndromes, Hereditary; Hereditary Cancer Syndrome. Identifiers: Orphanet 140162, MedGen C0027672, MeSH D009386, MONDO:0015356.
Peutz-Jeghers syndrome (PJS). Also called: POLYPOSIS, HAMARTOMATOUS INTESTINAL; POLYPS-AND-SPOTS SYNDROME; Peutz-Jeghers polyposis; Periorificial lentiginosis syndrome. Identifiers: Orphanet 2869, MedGen C0031269, MeSH D010580, MONDO:0008280, OMIM 175200.

Allele frequency attached by ClinVar (database versions not stated): gnomAD exomes 0.00001; gnomAD 0.00003 and 0.00004; TOPMed 0.00006.
gnomAD v4.1: 13 of 1,609,960 alleles (0.00081%); highest among the groups gnomAD compares: African/African-American, 0.008%; no homozygotes.

Submissions (10):

Labcorp Genetics (formerly Invitae), Labcorp
Classification: Likely benign for Peutz-Jeghers syndrome. Last evaluated: 2025-11-21. Review status: criteria provided, single submitter. Criteria: Invitae Variant Classification Sherloc (09022015). Collection method: clinical testing. Allele origin: germline.

Quest Diagnostics Nichols Institute San Juan Capistrano
Classification: Likely benign. Last evaluated: 2025-04-11. Review status: criteria provided, single submitter. Criteria: Quest Diagnostics criteria. Collection method: clinical testing. Allele origin: unknown.

All of Us Research Program, National Institutes of Health
Classification: Likely benign for Peutz-Jeghers syndrome. Last evaluated: 2023-11-02. Review status: criteria provided, single submitter. Criteria: ACMG Guidelines, 2015. Collection method: clinical testing. Allele origin: germline. Inheritance: Autosomal dominant inheritance. Observed: 3 variant alleles, 3 heterozygotes.
Comment: This study involves interpretation of variants in research participants for the purpose of population health screening. Participant phenotype was not available at the time of variant classification. Additional details can be found in publication PMID: 35346344, PMCID: PMC8962531

Color Diagnostics, LLC DBA Color Health
Classification: Likely benign for Hereditary cancer-predisposing syndrome. Last evaluated: 2023-04-25. Review status: criteria provided, single submitter. Criteria: ACMG Guidelines, 2015. Collection method: clinical testing. Allele origin: germline.

Sema4
Classification: Uncertain significance for Hereditary cancer-predisposing syndrome. Last evaluated: 2021-11-22. Review status: criteria provided, single submitter. Criteria: Sema4 Curation Guidelines. Collection method: curation. Allele origin: germline.
Comment: The STK11 c.1109-3C>T variant has not been reported in the literature to our knowledge. It was not observed in the large and broad cohorts of the Genome Aggregation Database. The variant has been reported in ClinVar (Variation ID 219713). In silico tools suggest that the variant does not impact splicing, though these predictions have not been confirmed by functional studies. The evidence is insufficient to meet ACMG/AMP criteria for classifying the variant as benign or pathogenic. Thus, the clinical significance of this variant is currently uncertain.

Genome-Nilou Lab
Classification: Uncertain significance for Peutz-Jeghers syndrome. Last evaluated: 2021-07-15. Review status: criteria provided, single submitter. Criteria: ACMG Guidelines, 2015. Collection method: clinical testing. Allele origin: germline. Affected: no.

Ambry Genetics
Classification: Likely benign for Hereditary cancer-predisposing syndrome. Last evaluated: 2021-02-19. Review status: criteria provided, single submitter. Criteria: Ambry Variant Classification Scheme 2023. Collection method: clinical testing. Allele origin: germline.

GeneDx
Classification: Likely benign. Last evaluated: 2017-12-26. Review status: criteria provided, single submitter. Criteria: GeneDx Variant Classification (06012015). Collection method: clinical testing. Allele origin: germline. Affected: yes.
Comment: This variant is considered likely benign or benign based on one or more of the following criteria: it is a conservative change, it occurs at a poorly conserved position in the protein, it is predicted to be benign by multiple in silico algorithms, and/or has population frequency not consistent with disease.

Diagnostic Laboratory, Department of Genetics, University Medical Center Groningen
Classification: Likely benign. Review status: no assertion criteria provided. Collection method: clinical testing. Allele origin: germline. Affected: yes. Study: VKGL Data-share Consensus. Not counted in ClinVar's aggregate classification.

Joint Genome Diagnostic Labs from Nijmegen and Maastricht, Radboudumc and MUMC+
Classification: Likely benign. Review status: no assertion criteria provided. Collection method: clinical testing. Allele origin: germline. Affected: yes. Study: VKGL Data-share Consensus. Not counted in ClinVar's aggregate classification.

NM_000455.5(STK11):c.1109-3C>T

Gene: STK11 (serine/threonine kinase 11; plus strand). Cytogenetic location: 19p13.3.
Variant type: single nucleotide variant.
Coding change: c.1109-3C>T on transcript NM_000455.5 (MANE Select); 3 bases into the intron before coding-DNA position 1109, C replaced by T.
Molecular consequence: intron variant.
Genome position (GRCh38, 1-based): chr19:1,226,451, C>T. VCF-style: chr19-1226451-C-T. GRCh37 (hg19) VCF-style: chr19-1226450-C-T.
Identifiers: ClinVar variation 219713 (VCV000219713.29), dbSNP rs864622219, ClinGen allele CA348022.